The following is an entry in ClinVar:

NM_001378454.1(ALMS1):c.7912T>A (p.Ser2638Thr)

Gene: ALMS1 (ALMS1 centrosome and basal body associated protein; plus strand). Cytogenetic location: 2p13.1.
Variant type: single nucleotide variant.
Coding change: c.7912T>A on transcript NM_001378454.1 (MANE Select); coding-DNA position 7912, T replaced by A.
Protein change: p.Ser2638Thr; replaces serine 2638 with threonine.
Molecular consequence: missense variant.
Genome position (GRCh38, 1-based): chr2:73,489,871, T>A. VCF-style: chr2-73489871-T-A. GRCh37 (hg19) VCF-style: chr2-73716998-T-A.
Other names: c.7915T>A, p.Ser2639Thr (NM_015120.4); short protein forms S2639T, S2638T.
Identifiers: ClinVar variation 550167 (VCV000550167.6), dbSNP rs548882067, ClinGen allele CA1714372.

ClinVar aggregate classification (germline): Conflicting classifications of pathogenicity. Review status: criteria provided, conflicting classifications (1 of 4 stars). 3 submissions from 3 submitters: Uncertain significance (1); Likely benign (1). 1 of the submissions does not count toward it. Last evaluated 2024-06-14.

Conditions:
Cardiovascular phenotype. Identifiers: MedGen CN230736.
Alstrom syndrome (ALMS). Identifiers: Orphanet 64, MedGen C0268425, MONDO:0008763, OMIM 203800.

Allele frequency attached by ClinVar (database versions not stated): gnomAD exomes below 0.00001 and 0.00002; ExAC 0.00001; gnomAD 0.00001; 1000 Genomes Project 30x 0.00016; 1000 Genomes Project 0.00020.
gnomAD v4.1: 7 of 1,614,098 alleles (0.00043%); highest among the groups gnomAD compares: East Asian, 0.011%; no homozygotes.

Submissions (3):

Ambry Genetics
Classification: Likely benign for Cardiovascular phenotype. Last evaluated: 2024-06-14. Review status: criteria provided, single submitter. Criteria: Ambry Variant Classification Scheme 2023. Collection method: clinical testing. Allele origin: germline.

Labcorp Genetics (formerly Invitae), Labcorp
Classification: Uncertain significance for Alstrom syndrome. Last evaluated: 2021-11-30. Review status: criteria provided, single submitter. Criteria: Invitae Variant Classification Sherloc (09022015). Collection method: clinical testing. Allele origin: germline.
Comment: This sequence change replaces serine, which is neutral and polar, with threonine, which is neutral and polar, at codon 2639 of the ALMS1 protein (p.Ser2639Thr). This variant is present in population databases (rs548882067, gnomAD 0.02%). This variant has not been reported in the literature in individuals affected with ALMS1-related conditions. ClinVar contains an entry for this variant (Variation ID: 550167). Experimental studies and prediction algorithms are not available or were not evaluated, and the functional significance of this variant is currently unknown. In summary, the available evidence is currently insufficient to determine the role of this variant in disease. Therefore, it has been classified as a Variant of Uncertain Significance.

Counsyl
Classification: Uncertain significance for Alstrom syndrome. Last evaluated: 2017-01-09. Review status: no assertion criteria provided. Collection method: clinical testing. Allele origin: unknown. Not counted in ClinVar's aggregate classification.